The following is an entry in ClinVar:

ClinVar aggregate classification (germline): Conflicting classifications of pathogenicity. Review status: criteria provided, conflicting classifications (1 of 4 stars). 4 submissions from 4 submitters: Uncertain significance (3); Benign (1). Last evaluated 2025-03-17.

Conditions:
Retinitis pigmentosa (RP). Identifiers: Orphanet 791, MedGen C0035334, MeSH D012174, MONDO:0019200, OMIM 268000. Inheritance: Autosomal dominant, autosomal recessive and X linked inheritance.

Allele frequency attached by ClinVar (database versions not stated): TOPMed below 0.00001; gnomAD 0.00001; gnomAD exomes 0.00002 and 0.00004; ExAC 0.00004.
gnomAD v4.1: 31 of 1,613,292 alleles (0.0019%); highest among the groups gnomAD compares: South Asian, 0.02%; no homozygotes.

Submissions (4):

Labcorp Genetics (formerly Invitae), Labcorp
Classification: Uncertain significance. Last evaluated: 2025-03-17. Review status: criteria provided, single submitter. Criteria: Invitae Variant Classification Sherloc (09022015). Collection method: clinical testing. Allele origin: germline.
Comment: This sequence change replaces isoleucine, which is neutral and non-polar, with threonine, which is neutral and polar, at codon 919 of the PRPF6 protein (p.Ile919Thr). This variant is present in population databases (rs773239629, gnomAD 0.03%). This variant has not been reported in the literature in individuals affected with PRPF6-related conditions. ClinVar contains an entry for this variant (Variation ID: 339489). Invitae Evidence Modeling of protein sequence and biophysical properties (such as structural, functional, and spatial information, amino acid conservation, physicochemical variation, residue mobility, and thermodynamic stability) indicates that this missense variant is not expected to disrupt PRPF6 protein function with a negative predictive value of 80%. In summary, the available evidence is currently insufficient to determine the role of this variant in disease. Therefore, it has been classified as a Variant of Uncertain Significance.

Ambry Genetics
Classification: Uncertain significance. Last evaluated: 2024-06-13. Review status: criteria provided, single submitter. Criteria: Ambry Variant Classification Scheme 2023. Collection method: clinical testing. Allele origin: germline.

Blueprint Genetics
Classification: Benign. Last evaluated: 2024-04-20. Review status: criteria provided, single submitter. Criteria: ACMG Guidelines, 2015. Collection method: clinical testing. Allele origin: germline.

Illumina Laboratory Services, Illumina
Classification: Uncertain significance for Retinitis pigmentosa. Last evaluated: 2018-01-13. Review status: criteria provided, single submitter. Criteria: ICSL Variant Classification Criteria 13 December 2019. Collection method: clinical testing. Allele origin: germline.

NM_012469.4(PRPF6):c.2756T>C (p.Ile919Thr)

Gene: PRPF6 (pre-mRNA processing factor 6; plus strand). Cytogenetic location: 20q13.33.
Variant type: single nucleotide variant.
Coding change: c.2756T>C on transcript NM_012469.4 (MANE Select); coding-DNA position 2756, T replaced by C.
Protein change: p.Ile919Thr; replaces isoleucine 919 with threonine.
Molecular consequence: missense variant.
Genome position (GRCh38, 1-based): chr20:64,032,923, T>C. VCF-style: chr20-64032923-T-C. GRCh37 (hg19) VCF-style: chr20-62664276-T-C.
Other names: short protein forms I919T.
Identifiers: ClinVar variation 339489 (VCV000339489.17), dbSNP rs773239629, ClinGen allele CA9972595.